The following is an entry in ClinVar:

NM_080605.4(B3GALT6):c.883C>T (p.Arg295Cys)

Gene: B3GALT6 (beta-1,3-galactosyltransferase 6; plus strand). Cytogenetic location: 1p36.33.
Variant type: single nucleotide variant.
Coding change: c.883C>T on transcript NM_080605.4 (MANE Select); coding-DNA position 883, C replaced by T.
Protein change: p.Arg295Cys; replaces arginine 295 with cysteine.
Molecular consequence: missense variant.
Genome position (GRCh38, 1-based): chr1:1,233,161, C>T. VCF-style: chr1-1233161-C-T. GRCh37 (hg19) VCF-style: chr1-1168541-C-T.
Other names: short protein forms R295C.
Identifiers: ClinVar variation 1520788 (VCV001520788.4), dbSNP rs1284101388, ClinGen allele CA337830216.
Genomic context (GRCh38, chr1:1,233,161, plus strand): 5'-TACCTGGTGACGCACAAGCAGAGCCTGGAGGACATGCTGGAGAAGCACGCGACGCTGGCG[C>T]GCGAGGGCCGCCTGTGCAAGCGCGAGGTGCAGCTGCGCCTGTCCTACGTGTACGACTGGT-3'
Protein context (NP_542172.2, residues 285-305): DMLEKHATLA[Arg295Cys]EGRLCKREVQ

ClinVar aggregate classification (germline): Uncertain significance. Review status: criteria provided, multiple submitters, no conflicts (2 of 4 stars). 2 submissions from 2 submitters: Uncertain significance (2). Last evaluated 2024-08-13.

Conditions:
Ehlers-Danlos syndrome, spondylodysplastic type, 2 (EDSSPD2). Also called: Ehlers-Danlos syndrome, progeroid type, 2. Identifiers: Orphanet 536467, Orphanet 75496, MedGen C3809210, MONDO:0014139, OMIM 615349.
Spondyloepimetaphyseal dysplasia with joint laxity (SEMDJL). Identifiers: MedGen C0432243, MONDO:0019675.

Allele frequency attached by ClinVar (database versions not stated): gnomAD exomes below 0.00001 and 0.00004; gnomAD 0.00001; TOPMed 0.00001.

Submissions (2):

3billion
Classification: Uncertain significance for Ehlers-Danlos syndrome, spondylodysplastic type, 2. Last evaluated: 2024-08-13. Review status: criteria provided, single submitter. Criteria: ACMG Guidelines, 2015. Collection method: clinical testing. Allele origin: germline. Affected: yes.
Comment: The variant is observed at an extremely low frequency in the gnomAD v4.0.0 dataset (total allele frequency: <0.001%). Predicted Consequence/Location: Missense variant In silico tool predictions suggest no damaging effect of the variant on gene or gene product [REVEL: 0.12 (<0.4); 3Cnet: 0.04 (<0.15, specificity 0.78 and negative predictive value 0.92)]. The same nucleotide change resulting in the same amino acid change has been previously reported to be associated with B3GALT6 related disorder (PMID: 35734427). However, the evidence of pathogenicity is insufficient at this time. Therefore, this variant is classified as VUS according to the recommendation of ACMG/AMP guideline.

Labcorp Genetics (formerly Invitae), Labcorp
Classification: Uncertain significance for Ehlers-Danlos syndrome, spondylodysplastic type, 2; Spondyloepimetaphyseal dysplasia with joint laxity. Last evaluated: 2021-11-30. Review status: criteria provided, single submitter. Criteria: Invitae Variant Classification Sherloc (09022015). Collection method: clinical testing. Allele origin: germline.
Comment: This sequence change replaces arginine, which is basic and polar, with cysteine, which is neutral and slightly polar, at codon 295 of the B3GALT6 protein (p.Arg295Cys). This variant is present in population databases (no rsID available, gnomAD 0.05%). This missense change has been observed in individual(s) with clinical features of spondyloepimetaphyseal dysplasia (Invitae). Algorithms developed to predict the effect of missense changes on protein structure and function are either unavailable or do not agree on the potential impact of this missense change (SIFT: "Deleterious"; PolyPhen-2: "Possibly Damaging"; Align-GVGD: "Class C0"). In summary, the available evidence is currently insufficient to determine the role of this variant in disease. Therefore, it has been classified as a Variant of Uncertain Significance.

Literature cited by the submitters: PubMed 35734427 (cited by 3billion).